The following is an entry in ClinVar:

ClinVar aggregate classification (germline): Uncertain significance (1 of 4 stars; one submission).

gnomAD v4.1: 4 of 1,614,070 alleles (0.00025%); highest among the groups gnomAD compares: Admixed American, 0.0033%; no homozygotes.

Submission:

Labcorp Genetics (formerly Invitae), Labcorp
Classification: Uncertain significance. Last evaluated: 2026-01-25. Review status: criteria provided, single submitter. Criteria: Invitae Variant Classification Sherloc (09022015). Collection method: clinical testing. Allele origin: germline.
Comment: This sequence change replaces proline, which is neutral and non-polar, with threonine, which is neutral and polar, at codon 1703 of the TECTA protein (p.Pro1703Thr). This variant is not present in population databases (gnomAD no frequency). This variant has not been reported in the literature in individuals affected with TECTA-related conditions. Invitae Evidence Modeling of protein sequence and biophysical properties (such as structural, functional, and spatial information, amino acid conservation, physicochemical variation, residue mobility, and thermodynamic stability) indicates that this missense variant is not expected to disrupt TECTA protein function with a negative predictive value of 95%. In summary, the available evidence is currently insufficient to determine the role of this variant in disease. Therefore, it has been classified as a Variant of Uncertain Significance.

NM_005422.4(TECTA):c.5107C>A (p.Pro1703Thr)

Genes: TBCEL-TECTA (TBCEL-TECTA readthrough; plus strand), TECTA (tectorin alpha; plus strand). Cytogenetic location: 11q23.3.
Variant type: single nucleotide variant.
Coding change: c.5107C>A on transcript NM_005422.4 (MANE Select); coding-DNA position 5107, C replaced by A.
Protein change: p.Pro1703Thr; replaces proline 1703 with threonine.
Molecular consequence: missense variant.
Genome position (GRCh38, 1-based): chr11:121,162,205, C>A. VCF-style: chr11-121162205-C-A. GRCh37 (hg19) VCF-style: chr11-121032914-C-A.
Other names: c.6049C>A, p.Pro2017Thr (NM_001378761.1); short protein forms P1703T, P2017T.
Identifiers: ClinVar variation 4749246 (VCV004749246.1).
Genomic context (GRCh38, chr11:121,162,205, plus strand): 5'-CAGAAGATGCAGGGTGATGGCTACTGCCTGAAGCTCACCGACATGAAGGGCTTCTTCCAG[C>A]CCTGCTATGGGCTTCTCGATCCCCTCCCATTCTACGAGTCCTGCTACCTGGACGGCTGCT-3'
Protein context (NP_005413.2, residues 1693-1713): KLTDMKGFFQ[Pro1703Thr]CYGLLDPLPF